The following is an entry in ClinVar:

ClinVar aggregate classification (germline): Uncertain significance (1 of 4 stars; one submission).

Conditions:
Cardiovascular phenotype. Identifiers: MedGen CN230736.

Submission:

Ambry Genetics
Classification: Uncertain significance for Cardiovascular phenotype. Last evaluated: 2026-06-23. Review status: criteria provided, single submitter. Criteria: Ambry Variant Classification Scheme 2023. Collection method: clinical testing. Allele origin: germline.
Comment: The c.207G>A variant (also known as p.K69K), located in coding exon 2 of the SCN1B gene, results from a G to A substitution at nucleotide position 207. This nucleotide substitution does not change the amino acid at codon 69. However, this change occurs in the last base pair of coding exon 2, which makes it likely to have some effect on normal mRNA splicing. This nucleotide position is well conserved in available vertebrate species. In silico splice site analysis predicts that this alteration may weaken the native splice donor site and will result in the creation or strengthening of a novel splice donor site. Based on the available evidence, the clinical significance of this variant remains unclear.

NM_001037.5(SCN1B):c.207G>A (p.Lys69=)

Gene: SCN1B (sodium voltage-gated channel beta subunit 1; plus strand). Cytogenetic location: 19q13.11.
Variant type: single nucleotide variant.
Coding change: c.207G>A on transcript NM_001037.5 (MANE Select); coding-DNA position 207, G replaced by A.
Protein change: p.Lys69=; no amino-acid change (lysine 69 retained).
Molecular consequence: synonymous variant.
Genome position (GRCh38, 1-based): chr19:35,032,694, G>A. VCF-style: chr19-35032694-G-A. GRCh37 (hg19) VCF-style: chr19-35523598-G-A.
Other names: c.108G>A, p.Lys36= (NM_001321605.2); c.207G>A, p.Lys69= (NM_199037.5).
Identifiers: ClinVar variation 5029119 (VCV005029119.1).